The following is an entry in ClinVar:

NM_005476.7(GNE):c.934_937del (p.Gly312fs)

Gene: GNE (glucosamine (UDP-N-acetyl)-2-epimerase/N-acetylmannosamine kinase; minus strand). Cytogenetic location: 9p13.3.
Variant type: Deletion.
Coding change: c.934_937del on transcript NM_005476.7 (MANE Select); coding-DNA positions 934 to 937, 4 bases deleted (GGAA; older notation c.934_937delGGAA).
Protein change: p.Gly312fs; shifts the reading frame from glycine 312.
Molecular consequence: frameshift variant.
Genome position (GRCh38, 1-based): chr9:36,233,965-36,233,968, TTCC deleted on the plus strand (GGAA on the coding strand, the reverse complement: GNE is on the minus strand). VCF-style (leftmost placement, unchanged base first): chr9-36233964-GTTCC-G. GRCh37 (hg19) VCF-style: chr9-36233961-GTTCC-G.
Other names: c.781_784del, p.Gly261fs (NM_001374797.1); c.757_760del, p.Gly253fs (NM_001374798.1, NM_001190388.2); c.1027_1030del, p.Gly343fs (NM_001128227.3); c.934_937del, p.Gly312fs (NM_001190383.3); c.604_607del, p.Gly202fs (NM_001190384.3); short protein forms G202fs, G253fs, G261fs, G312fs, G343fs.
Identifiers: ClinVar variation 1725731 (VCV001725731.2), dbSNP rs2489715788, ClinGen allele CA2580080517.

ClinVar aggregate classification (germline): Likely pathogenic (1 of 4 stars; one submission).

Conditions:
GNE myopathy (NM). Also called: MYOPATHY, DISTAL, WITH OR WITHOUT RIMMED VACUOLES; IBM 2; Inclusion body myopathy autosomal recessive; Inclusion body myopathy quadriceps sparing; NONAKA DISTAL MYOPATHY; INCLUSION BODY MYOPATHY, HEREDITARY, AUTOSOMAL RECESSIVE. Identifiers: Orphanet 602, MedGen C1853926, MONDO:0011603, OMIM 605820.

Submission:

Myriad Genetics, Inc.
Classification: Likely pathogenic for GNE myopathy. Last evaluated: 2022-03-31. Review status: criteria provided, single submitter. Criteria: Myriad Women's Health Autosomal Recessive and X-Linked Classification Criteria (2021). Collection method: clinical testing. Allele origin: unknown.
Comment: NM_001128227.2(GNE):c.1027_1030delGGAA(G343Hfs*3) is expected to be pathogenic in the context of GNE myopathy. This variant is predicted to lead to an abnormal or absent protein product due to the creation of a premature termination codon in GNE, a gene where loss-of-function variants are known to be pathogenic. Please note: this variant was assessed in the context of healthy population screening.